The following is an entry in ClinVar:

ClinVar aggregate classification (germline): Uncertain significance. Review status: criteria provided, multiple submitters, no conflicts (2 of 4 stars). 3 submissions from 3 submitters: Uncertain significance (2). 1 of the submissions does not count toward it. Last evaluated 2024-09-18.

Allele frequency attached by ClinVar (database versions not stated): 1000 Genomes Project 30x 0.00016; 1000 Genomes Project 0.00020; gnomAD exomes 0.00029 and 0.00037; ExAC 0.00031; gnomAD 0.00033 and 0.00034; TOPMed 0.00043; ESP Exome Variant Server 0.00054.
gnomAD v4.1: 593 of 1,610,692 alleles (0.037%); highest among the groups gnomAD compares: African/African-American, 0.073%; no homozygotes.

Submissions (3):

Blueprint Genetics
Classification: Uncertain significance. Last evaluated: 2024-09-18. Review status: criteria provided, single submitter. Criteria: ACMG Guidelines, 2015. Collection method: clinical testing. Allele origin: germline.

Labcorp Genetics (formerly Invitae), Labcorp
Classification: Uncertain significance. Last evaluated: 2023-11-27. Review status: criteria provided, single submitter. Criteria: Invitae Variant Classification Sherloc (09022015). Collection method: clinical testing. Allele origin: germline.
Comment: This sequence change replaces proline, which is neutral and non-polar, with leucine, which is neutral and non-polar, at codon 589 of the GRM6 protein (p.Pro589Leu). This variant is present in population databases (rs62638212, gnomAD 0.08%). This variant has not been reported in the literature in individuals affected with GRM6-related conditions. ClinVar contains an entry for this variant (Variation ID: 99634). Advanced modeling of protein sequence and biophysical properties (such as structural, functional, and spatial information, amino acid conservation, physicochemical variation, residue mobility, and thermodynamic stability) performed at Invitae indicates that this missense variant is not expected to disrupt GRM6 protein function with a negative predictive value of 80%. In summary, the available evidence is currently insufficient to determine the role of this variant in disease. Therefore, it has been classified as a Variant of Uncertain Significance.

Retina International
No classification provided. Review status: no classification provided. Collection method: not provided. Allele origin: not provided. Not counted in ClinVar's aggregate classification.

NM_000843.4(GRM6):c.1766C>T (p.Pro589Leu)

Genes: GRM6 (glutamate metabotropic receptor 6; minus strand), ZNF454 (zinc finger protein 454; plus strand). Cytogenetic location: 5q35.3.
Variant type: single nucleotide variant.
Coding change: c.1766C>T on transcript NM_000843.4 (MANE Select); coding-DNA position 1766, C replaced by T.
Protein change: p.Pro589Leu; replaces proline 589 with leucine.
Molecular consequence: missense variant.
Genome position (GRCh38, 1-based): chr5:178,986,488, G>A on the plus strand (C>T on the coding strand, the complement: GRM6 is on the minus strand). VCF-style: chr5-178986488-G-A. GRCh37 (hg19) VCF-style: chr5-178413489-G-A.
Other names: short protein forms P589L.
Identifiers: ClinVar variation 99634 (VCV000099634.8), dbSNP rs62638212, ClinGen allele CA227655.